The following is an entry in ClinVar:

ClinVar aggregate classification (germline): Uncertain significance (1 of 4 stars; one submission).

Submission:

Ambry Genetics
Classification: Uncertain significance. Last evaluated: 2026-06-02. Review status: criteria provided, single submitter. Criteria: Ambry Variant Classification Scheme 2023. Collection method: clinical testing. Allele origin: germline.
Comment: The p.K767R variant (also known as c.2300A>G), located in coding exon 22 of the KIF1B gene, results from an A to G substitution at nucleotide position 2300. The lysine at codon 767 is replaced by arginine, an amino acid with highly similar properties. This amino acid position is conserved. In addition, this alteration is predicted to be tolerated by in silico analysis. Based on the available evidence, the clinical significance of this variant remains unclear.

NM_001365951.3(KIF1B):c.2438A>G (p.Lys813Arg)

Gene: KIF1B (kinesin family member 1B; plus strand). Cytogenetic location: 1p36.22.
Variant type: single nucleotide variant.
Coding change: c.2438A>G on transcript NM_001365951.3 (MANE Select); coding-DNA position 2438, A replaced by G.
Protein change: p.Lys813Arg; replaces lysine 813 with arginine.
Molecular consequence: missense variant.
Genome position (GRCh38, 1-based): chr1:10,323,963, A>G. VCF-style: chr1-10323963-A-G. GRCh37 (hg19) VCF-style: chr1-10384021-A-G.
Other names: c.2438A>G, p.Lys813Arg (NM_001365952.1); c.2300A>G, p.Lys767Arg (NM_015074.3); short protein forms K767R, K813R.
Identifiers: ClinVar variation 4858880 (VCV004858880.1).
Genomic context (GRCh38, chr1:10,323,963, plus strand): 5'-TGCTGACTGACACACTGTACTCCCCTTTGCCTCCTGAATTACTTCCCACTGAGATGGAAA[A>G]AACTCATGAGGACAGGCCTTTCCCTCGCACAGTGGTAGCAGTAGAAGTCCAGGATTTGAA-3'
Protein context (NP_001352880.1, residues 803-823): PPELLPTEME[Lys813Arg]THEDRPFPRT